The following is an entry in ClinVar:

NM_052989.3(IFT122):c.55G>T (p.Ala19Ser)

Gene: IFT122 (intraflagellar transport 122; plus strand). Cytogenetic location: 3q21.3.
Variant type: single nucleotide variant.
Coding change: c.55G>T on transcript NM_052989.3 (MANE Select); coding-DNA position 55, G replaced by T.
Protein change: p.Ala19Ser; replaces alanine 19 with serine.
Molecular consequence: missense variant. On other transcripts: 5 prime UTR variant (2).
Genome position (GRCh38, 1-based): chr3:129,449,884, G>T. VCF-style: chr3-129449884-G-T. GRCh37 (hg19) VCF-style: chr3-129168727-G-T.
Other names: c.55G>T, p.Ala19Ser (NM_001280541.2, NM_001410808.1, NM_001410809.1 and 8 more transcripts); c.-547G>T (NM_001280545.2); c.-317G>T (NM_001280546.2); short protein forms A19S.
Identifiers: ClinVar variation 2015157 (VCV002015157.4), dbSNP rs749466359, ClinGen allele CA354469155.

ClinVar aggregate classification (germline): Uncertain significance (1 of 4 stars; one submission).

Conditions:
Cranioectodermal dysplasia 1 (CED1). Also called: LEVIN SYNDROME I. Identifiers: Orphanet 1515, MedGen C0432235, MONDO:0021093, OMIM 218330.

gnomAD v4.1: 4 of 1,611,866 alleles (0.00025%); highest among the groups gnomAD compares: Non-Finnish European, 0.00034%; no homozygotes.

Submission:

Labcorp Genetics (formerly Invitae), Labcorp
Classification: Uncertain significance for Cranioectodermal dysplasia 1. Last evaluated: 2022-07-08. Review status: criteria provided, single submitter. Criteria: Invitae Variant Classification Sherloc (09022015). Collection method: clinical testing. Allele origin: germline.
Comment: In summary, the available evidence is currently insufficient to determine the role of this variant in disease. Therefore, it has been classified as a Variant of Uncertain Significance. Algorithms developed to predict the effect of missense changes on protein structure and function are either unavailable or do not agree on the potential impact of this missense change (SIFT: "Tolerated"; PolyPhen-2: "Possibly Damaging"; Align-GVGD: "Class C0"). This variant has not been reported in the literature in individuals affected with IFT122-related conditions. This variant is present in population databases (no rsID available, gnomAD 0.002%). This sequence change replaces alanine, which is neutral and non-polar, with serine, which is neutral and polar, at codon 19 of the IFT122 protein (p.Ala19Ser).